The following is an entry in ClinVar:

ClinVar aggregate classification (germline): Uncertain significance (1 of 4 stars; one submission).

Conditions:
Inborn genetic diseases. Identifiers: MedGen C0950123, MeSH D030342.

gnomAD v4.1: 1 of 1,613,538 alleles (0.000062%); highest among the groups gnomAD compares: Non-Finnish European, 0.000085%; no homozygotes.

Submission:

Ambry Genetics
Classification: Uncertain significance for Inborn genetic diseases. Last evaluated: 2025-03-18. Review status: criteria provided, single submitter. Criteria: Ambry Variant Classification Scheme 2023. Collection method: clinical testing. Allele origin: germline.
Comment: The p.E472D variant (also known as c.1416A>T), located in coding exon 11 of the CEP57 gene, results from an A to T substitution at nucleotide position 1416. The glutamic acid at codon 472 is replaced by aspartic acid, an amino acid with highly similar properties. This amino acid position is conserved. In addition, this alteration is predicted to be tolerated by in silico analysis. Based on the available evidence, the clinical significance of this variant remains unclear.

NM_014679.5(CEP57):c.1416A>T (p.Glu472Asp)

Gene: CEP57 (centrosomal protein 57; plus strand). Cytogenetic location: 11q21.
Variant type: single nucleotide variant.
Coding change: c.1416A>T on transcript NM_014679.5 (MANE Select); coding-DNA position 1416, A replaced by T.
Protein change: p.Glu472Asp; replaces glutamic acid 472 with aspartic acid.
Molecular consequence: missense variant.
Genome position (GRCh38, 1-based): chr11:95,831,169, A>T. VCF-style: chr11-95831169-A-T. GRCh37 (hg19) VCF-style: chr11-95564333-A-T.
Other names: c.1389A>T, p.Glu463Asp (NM_001243776.2); c.1338A>T, p.Glu446Asp (NM_001243777.2); c.1335A>T, p.Glu445Asp (NM_001363604.2); short protein forms E446D, E445D, E463D, E472D.
Identifiers: ClinVar variation 4000975 (VCV004000975.1).